The following is an entry in ClinVar:

ClinVar aggregate classification (germline): Uncertain significance (1 of 4 stars; one submission).

Submission:

GeneDx
Classification: Uncertain significance. Last evaluated: 2025-03-13. Review status: criteria provided, single submitter. Criteria: GeneDx Variant Classification Process June 2021. Collection method: clinical testing. Allele origin: germline. Affected: yes.
Comment: Not observed at significant frequency in large population cohorts (gnomAD); In silico analysis indicates that this missense variant does not alter protein structure/function; Has not been previously published as pathogenic or benign to our knowledge

NM_005901.6(SMAD2):c.290A>T (p.Asp97Val)

Gene: SMAD2 (SMAD family member 2; minus strand). Cytogenetic location: 18q21.1.
Variant type: single nucleotide variant.
Coding change: c.290A>T on transcript NM_005901.6 (MANE Select); coding-DNA position 290, A replaced by T.
Protein change: p.Asp97Val; replaces aspartic acid 97 with valine.
Molecular consequence: missense variant. On other transcripts: intron variant (1).
Genome position (GRCh38, 1-based): chr18:47,870,511, T>A on the plus strand (A>T on the coding strand, the complement: SMAD2 is on the minus strand). VCF-style: chr18-47870511-T-A. GRCh37 (hg19) VCF-style: chr18-45396882-T-A.
Other names: c.290A>T, p.Asp97Val (NM_001003652.4); c.237-1075A>T (NM_001135937.3); short protein forms D97V.
Identifiers: ClinVar variation 4083260 (VCV004083260.1).